The following is an entry in ClinVar:

NM_002303.6(LEPR):c.2794G>A (p.Asp932Asn)

Gene: LEPR (leptin receptor; plus strand). Cytogenetic location: 1p31.3.
Variant type: single nucleotide variant.
Coding change: c.2794G>A on transcript NM_002303.6 (MANE Select); coding-DNA position 2794, G replaced by A.
Protein change: p.Asp932Asn; replaces aspartic acid 932 with asparagine.
Molecular consequence: missense variant.
Genome position (GRCh38, 1-based): chr1:65,636,311, G>A. VCF-style: chr1-65636311-G-A. GRCh37 (hg19) VCF-style: chr1-66101994-G-A.
Other names: short protein forms D932N.
Identifiers: ClinVar variation 3032734 (VCV003032734.3), dbSNP rs775396567, ClinGen allele CA895167.
Genomic context (GRCh38, chr1:65,636,311, plus strand): 5'-CTTTTGGAGCCTGAAACAATTTCAGAAGATATCAGTGTTGATACATCATGGAAAAATAAA[G>A]ATGAGATGATGCCAACAACTGTGGTCTCTCTACTTTCAACAACAGATCTTGAAAAGGGTT-3'
Protein context (NP_002294.2, residues 922-942): ISVDTSWKNK[Asp932Asn]EMMPTTVVSL

ClinVar aggregate classification (germline): Uncertain significance. Review status: criteria provided, single submitter (1 of 4 stars). 2 submissions from 2 submitters: Uncertain significance (1). 1 of the submissions does not count toward it. Last evaluated 2025-01-22.

Conditions:
LEPR-related disorder. Also called: LEPR-related condition; LEPR-related disorders.
Inborn genetic diseases. Identifiers: MedGen C0950123, MeSH D030342.

gnomAD v4.1: 43 of 1,613,886 alleles (0.0027%); highest among the groups gnomAD compares: South Asian, 0.044%; no homozygotes.

Submissions (2):

Ambry Genetics
Classification: Uncertain significance for Inborn genetic diseases. Last evaluated: 2025-01-22. Review status: criteria provided, single submitter. Criteria: Ambry Variant Classification Scheme 2023. Collection method: clinical testing. Allele origin: germline.

PreventionGenetics, part of Exact Sciences
Classification: Uncertain significance for LEPR-related condition. Last evaluated: 2024-02-05. Review status: no assertion criteria provided. Collection method: clinical testing. Allele origin: germline. Not counted in ClinVar's aggregate classification.
Comment: The LEPR c.2794G>A variant is predicted to result in the amino acid substitution p.Asp932Asn. To our knowledge, this variant has not been reported in the literature. This variant is reported in 0.042% of alleles in individuals of South Asian descent in gnomAD. At this time, the clinical significance of this variant is uncertain due to the absence of conclusive functional and genetic evidence.